The following is an entry in ClinVar:

NM_001042545.2(LTBP4):c.2966G>T (p.Arg989Leu)

Gene: LTBP4 (latent transforming growth factor beta binding protein 4; plus strand). Cytogenetic location: 19q13.2.
Variant type: single nucleotide variant.
Coding change: c.2966G>T on transcript NM_001042545.2 (MANE Select); coding-DNA position 2966, G replaced by T.
Protein change: p.Arg989Leu; replaces arginine 989 with leucine.
Molecular consequence: missense variant.
Genome position (GRCh38, 1-based): chr19:40,617,121, G>T. VCF-style: chr19-40617121-G-T. GRCh37 (hg19) VCF-style: chr19-41123027-G-T.
Other names: c.3167G>T, p.Arg1056Leu (NM_001042544.1); c.3056G>T, p.Arg1019Leu (NM_003573.2); short protein forms R1019L, R1056L, R989L.
Identifiers: ClinVar variation 1712872 (VCV001712872.2), dbSNP rs35089561, ClinGen allele CA405940432.

ClinVar aggregate classification (germline): Uncertain significance (1 of 4 stars; one submission).

Submission:

GeneDx
Classification: Uncertain significance. Last evaluated: 2022-04-25. Review status: criteria provided, single submitter. Criteria: GeneDx Variant Classification Process June 2021. Collection method: clinical testing. Allele origin: germline. Affected: yes.
Comment: Not observed at significant frequency in large population cohorts (gnomAD); In silico analysis supports that this missense variant has a deleterious effect on protein structure/function; Has not been previously published as pathogenic or benign to our knowledge